The following is an entry in ClinVar:

NM_015072.5(TTLL5):c.3642A>T (p.Lys1214Asn)

Gene: TTLL5 (tubulin tyrosine ligase like 5; plus strand). Cytogenetic location: 14q24.3.
Variant type: single nucleotide variant.
Coding change: c.3642A>T on transcript NM_015072.5 (MANE Select); coding-DNA position 3642, A replaced by T.
Protein change: p.Lys1214Asn; replaces lysine 1214 with asparagine.
Molecular consequence: missense variant.
Genome position (GRCh38, 1-based): chr14:75,882,804, A>T. VCF-style: chr14-75882804-A-T. GRCh37 (hg19) VCF-style: chr14-76349147-A-T.
Other names: short protein forms K1214N.
Identifiers: ClinVar variation 837094 (VCV000837094.15), dbSNP rs146149200, ClinGen allele CA7280096.

ClinVar aggregate classification (germline): Uncertain significance. Review status: criteria provided, multiple submitters, no conflicts (2 of 4 stars). 5 submissions from 5 submitters: Uncertain significance (5). Last evaluated 2026-08-18.

Conditions:
Inborn genetic diseases. Identifiers: MedGen C0950123, MeSH D030342.
TTLL5-related disorder. Also called: TTLL5-related condition.

Allele frequency attached by ClinVar (database versions not stated): gnomAD exomes 0.00012 and 0.00027; ExAC 0.00015; gnomAD 0.00016; TOPMed 0.00017; ESP Exome Variant Server 0.00038.
gnomAD v4.1: 431 of 1,614,056 alleles (0.027%); highest among the groups gnomAD compares: Non-Finnish European, 0.033%; no homozygotes.

Submissions (5):

PreventionGenetics, part of Exact Sciences
Classification: Uncertain significance for TTLL5-related condition. Last evaluated: 2026-08-18. Review status: criteria provided, single submitter. Criteria: ACMG Guidelines, 2015. Collection method: clinical testing. Allele origin: germline.
Comment: The TTLL5 c.3642A>T variant is predicted to result in the amino acid substitution p.Lys1214Asn. To our knowledge, this variant has not been reported in the literature. This variant is reported in 0.022% of alleles in individuals of European (Non-Finnish) descent in gnomAD. At this time, the clinical significance of this variant is uncertain due to the absence of conclusive functional and genetic evidence.

CeGaT Center for Human Genetics Tuebingen
Classification: Uncertain significance. Last evaluated: 2025-10-01. Review status: criteria provided, single submitter. Criteria: CeGaT Center For Human Genetics Tuebingen Variant Classification Criteria Version 2. Collection method: clinical testing. Allele origin: germline. Affected: yes. Observed: 1 variant allele.
Comment: TTLL5: PM2

Ambry Genetics
Classification: Uncertain significance for Inborn genetic diseases. Last evaluated: 2024-12-12. Review status: criteria provided, single submitter. Criteria: Ambry Variant Classification Scheme 2023. Collection method: clinical testing. Allele origin: germline.

Labcorp Genetics (formerly Invitae), Labcorp
Classification: Uncertain significance. Last evaluated: 2024-12-10. Review status: criteria provided, single submitter. Criteria: Invitae Variant Classification Sherloc (09022015). Collection method: clinical testing. Allele origin: germline.
Comment: This sequence change replaces lysine, which is basic and polar, with asparagine, which is neutral and polar, at codon 1214 of the TTLL5 protein (p.Lys1214Asn). This variant is present in population databases (rs146149200, gnomAD 0.02%). This variant has not been reported in the literature in individuals affected with TTLL5-related conditions. ClinVar contains an entry for this variant (Variation ID: 837094). An algorithm developed to predict the effect of missense changes on protein structure and function (PolyPhen-2) suggests that this variant is likely to be disruptive. In summary, the available evidence is currently insufficient to determine the role of this variant in disease. Therefore, it has been classified as a Variant of Uncertain Significance.

Blueprint Genetics
Classification: Uncertain significance. Last evaluated: 2023-08-24. Review status: criteria provided, single submitter. Criteria: ACMG Guidelines, 2015. Collection method: clinical testing. Allele origin: germline.